The following is an entry in ClinVar:

ClinVar aggregate classification (germline): Uncertain significance (1 of 4 stars; one submission).

Allele frequency attached by ClinVar (database versions not stated): gnomAD exomes below 0.00001.

Submission:

Labcorp Genetics (formerly Invitae), Labcorp
Classification: Uncertain significance. Last evaluated: 2023-01-24. Review status: criteria provided, single submitter. Criteria: Invitae Variant Classification Sherloc (09022015). Collection method: clinical testing. Allele origin: germline.
Comment: This sequence change affects codon 575 of the HYOU1 mRNA. It is a 'silent' change, meaning that it does not change the encoded amino acid sequence of the HYOU1 protein. It affects a nucleotide within the consensus splice site. This variant is present in population databases (no rsID available, gnomAD 0.003%). This variant has not been reported in the literature in individuals affected with HYOU1-related conditions. In summary, the available evidence is currently insufficient to determine the role of this variant in disease. Therefore, it has been classified as a Variant of Uncertain Significance.

NM_006389.5(HYOU1):c.1725C>T (p.Thr575=)

Gene: HYOU1 (hypoxia up-regulated 1; minus strand). Cytogenetic location: 11q23.3.
Variant type: single nucleotide variant.
Coding change: c.1725C>T on transcript NM_006389.5 (MANE Select); coding-DNA position 1725, C replaced by T.
Protein change: p.Thr575=; no amino-acid change (threonine 575 retained).
Molecular consequence: synonymous variant.
Genome position (GRCh38, 1-based): chr11:119,049,778, G>A on the plus strand (C>T on the coding strand, the complement: HYOU1 is on the minus strand). VCF-style: chr11-119049778-G-A. GRCh37 (hg19) VCF-style: chr11-118920490-G-A.
Other names: c.1725C>T, p.Thr575= (NM_001130991.3, NM_001411041.1).
Identifiers: ClinVar variation 2955228 (VCV002955228.3), dbSNP rs1473866060, ClinGen allele CA672393829.